The following is an entry in ClinVar:

ClinVar aggregate classification (germline): Uncertain significance. Review status: criteria provided, multiple submitters, no conflicts (2 of 4 stars). 2 submissions from 2 submitters: Uncertain significance (2). Last evaluated 2023-08-09.

Conditions:
Sifrim-Hitz-Weiss syndrome (SIHIWES). Also called: CHD4 Neurodevelopmental Disorder; SIFRIM-HITZ-WEISS MULTIPLE CONGENITAL ANOMALIES-MENTAL RETARDATION SYNDROME. Identifiers: Orphanet 653712, MedGen C4310688, MONDO:0014946, OMIM 617159.

Submissions (2):

Baylor Genetics
Classification: Uncertain significance for Sifrim-Hitz-Weiss syndrome. Last evaluated: 2023-08-09. Review status: criteria provided, single submitter. Criteria: ACMG Guidelines, 2015. Collection method: clinical testing. Allele origin: unknown.

GeneDx
Classification: Uncertain significance. Last evaluated: 2022-10-09. Review status: criteria provided, single submitter. Criteria: GeneDx Variant Classification Process June 2021. Collection method: clinical testing. Allele origin: germline. Affected: yes.
Comment: Not observed at significant frequency in large population cohorts (gnomAD); In silico analysis supports that this missense variant has a deleterious effect on protein structure/function; Has not been previously published as pathogenic or benign to our knowledge

NM_001273.5(CHD4):c.4621C>G (p.Pro1541Ala)

Genes: CHD4 (chromodomain helicase DNA binding protein 4; minus strand), CHD4-AS1 (CHD4 antisense RNA 1; plus strand). Cytogenetic location: 12p13.31.
Variant type: single nucleotide variant.
Coding change: c.4621C>G on transcript NM_001273.5 (MANE Select); coding-DNA position 4621, C replaced by G.
Protein change: p.Pro1541Ala; replaces proline 1541 with alanine.
Molecular consequence: missense variant.
Genome position (GRCh38, 1-based): chr12:6,581,709, G>C on the plus strand (C>G on the coding strand, the complement: CHD4 is on the minus strand). VCF-style: chr12-6581709-G-C. GRCh37 (hg19) VCF-style: chr12-6690875-G-C.
Other names: c.4600C>G, p.Pro1534Ala (NM_001297553.2); c.4582C>G, p.Pro1528Ala (NM_001363606.2); short protein forms P1528A, P1534A, P1541A.
Identifiers: ClinVar variation 2497818 (VCV002497818.2), dbSNP rs755444102, ClinGen allele CA383571521.